The following is an entry in ClinVar:

ClinVar aggregate classification (germline): Benign/Likely benign. Review status: criteria provided, multiple submitters, no conflicts (2 of 4 stars). 5 submissions from 5 submitters: Benign (2); Likely benign (3). Last evaluated 2025-12-29.

Conditions:
Hereditary nonpolyposis colorectal neoplasms. Identifiers: MedGen C0009405, MeSH D003123.
Hereditary cancer-predisposing syndrome. Also called: Tumor predisposition; Hereditary neoplastic syndrome; Neoplastic Syndromes, Hereditary; Hereditary Cancer Syndrome. Identifiers: Orphanet 140162, MedGen C0027672, MeSH D009386, MONDO:0015356.
Lynch syndrome 4 (LYNCH4). Also called: Colorectal cancer, hereditary nonpolyposis, type 4; Hereditary non-polyposis colorectal cancer, type 4. Identifiers: Orphanet 144, MedGen C1838333, MONDO:0013699, OMIM 614337. Disease mechanism: loss of function.

Allele frequency attached by ClinVar (database versions not stated): gnomAD exomes below 0.00001 and 0.00002; TOPMed 0.00001; ExAC 0.00002; gnomAD 0.00002 and 0.00003.
gnomAD v4.1: 34 of 1,524,840 alleles (0.0022%); highest among the groups gnomAD compares: Middle Eastern, 0.017%; no homozygotes.

Submissions (5):

Labcorp Genetics (formerly Invitae), Labcorp
Classification: Likely benign for Hereditary nonpolyposis colorectal neoplasms. Last evaluated: 2025-12-29. Review status: criteria provided, single submitter. Criteria: Invitae Variant Classification Sherloc (09022015). Collection method: clinical testing. Allele origin: germline.

Myriad Genetics, Inc.
Classification: Benign for Lynch syndrome 4. Last evaluated: 2025-01-29. Review status: criteria provided, single submitter. Criteria: Myriad Autosomal Dominant, Autosomal Recessive and X-Linked Classification Criteria (2023). Collection method: clinical testing. Allele origin: unknown.
Comment: This variant is considered benign. This variant is intronic and is not expected to impact mRNA splicing. Homozygosity for this variant has been confirmed in one or more individuals lacking clinical features consistent with gene-specific recessive disease, indicating that this variant is unlikely to be pathogenic.

Blueprint Genetics
Classification: Likely benign. Last evaluated: 2024-05-08. Review status: criteria provided, single submitter. Criteria: ACMG Guidelines, 2015. Collection method: clinical testing. Allele origin: germline.

Color Diagnostics, LLC DBA Color Health
Classification: Likely benign for Hereditary cancer-predisposing syndrome. Last evaluated: 2015-07-27. Review status: criteria provided, single submitter. Criteria: ACMG Guidelines, 2015. Collection method: clinical testing. Allele origin: germline.

GeneDx
Classification: Benign. Last evaluated: 2014-03-31. Review status: criteria provided, single submitter. Criteria: GeneDx Variant Classification (06012015). Collection method: clinical testing. Allele origin: germline. Affected: yes.
Comment: This variant is considered likely benign or benign based on one or more of the following criteria: it is a conservative change, it occurs at a poorly conserved position in the protein, it is predicted to be benign by multiple in silico algorithms, and/or has population frequency not consistent with disease.

NM_000535.7(PMS2):c.1145-17C>T

Gene: PMS2 (PMS1 homolog 2, mismatch repair system component; minus strand). Cytogenetic location: 7p22.1.
Variant type: single nucleotide variant.
Coding change: c.1145-17C>T on transcript NM_000535.7 (MANE Select); 17 bases into the intron before coding-DNA position 1145, C replaced by T.
Molecular consequence: intron variant.
Genome position (GRCh38, 1-based): chr7:5,987,637, G>A on the plus strand (C>T on the coding strand, the complement: PMS2 is on the minus strand). VCF-style: chr7-5987637-G-A. GRCh37 (hg19) VCF-style: chr7-6027268-G-A.
Other names: c.827-17C>T (NM_001322008.2, NM_001322007.2); c.584-17C>T (NM_001322010.2); c.740-17C>T (NM_001322004.2, NM_001322003.2, NM_001322009.2 and 1 more transcripts); c.572-17C>T (NM_001322013.2); c.212-17C>T (NM_001322012.2, NM_001322011.2); c.836-17C>T (NM_001322015.2); c.989-17C>T (NM_001322006.2); c.1145-17C>T (NM_001322014.2).
Identifiers: ClinVar variation 138699 (VCV000138699.13), dbSNP rs587781110, ClinGen allele CA009246.